The following is an entry in ClinVar:

ClinVar aggregate classification (germline): Uncertain significance (1 of 4 stars; one submission).

gnomAD v4.1: 3 of 1,614,072 alleles (0.00019%); highest among the groups gnomAD compares: Non-Finnish European, 0.00017%; no homozygotes.

Submission:

Labcorp Genetics (formerly Invitae), Labcorp
Classification: Uncertain significance. Last evaluated: 2024-04-03. Review status: criteria provided, single submitter. Criteria: Invitae Variant Classification Sherloc (09022015). Collection method: clinical testing. Allele origin: germline.
Comment: This sequence change replaces leucine, which is neutral and non-polar, with proline, which is neutral and non-polar, at codon 4594 of the HMCN1 protein (p.Leu4594Pro). This variant is present in population databases (rs369542906, gnomAD 0.0009%). This variant has not been reported in the literature in individuals affected with HMCN1-related conditions. Algorithms developed to predict the effect of missense changes on protein structure and function output the following: SIFT: "Not Available"; PolyPhen-2: "Benign"; Align-GVGD: "Not Available". The proline amino acid residue is found in multiple mammalian species, which suggests that this missense change does not adversely affect protein function. In summary, the available evidence is currently insufficient to determine the role of this variant in disease. Therefore, it has been classified as a Variant of Uncertain Significance.

NM_031935.3(HMCN1):c.13781T>C (p.Leu4594Pro)

Gene: HMCN1 (hemicentin 1; plus strand). Cytogenetic location: 1q31.1.
Variant type: single nucleotide variant.
Coding change: c.13781T>C on transcript NM_031935.3 (MANE Select); coding-DNA position 13781, T replaced by C.
Protein change: p.Leu4594Pro; replaces leucine 4594 with proline.
Molecular consequence: missense variant.
Genome position (GRCh38, 1-based): chr1:186,137,829, T>C. VCF-style: chr1-186137829-T-C. GRCh37 (hg19) VCF-style: chr1-186106961-T-C.
Other names: short protein forms L4594P.
Identifiers: ClinVar variation 3682070 (VCV003682070.2).